The following is an entry in ClinVar:

ClinVar aggregate classification (germline): Likely pathogenic (1 of 4 stars; one submission).

Submission:

GeneDx
Classification: Likely pathogenic. Last evaluated: 2024-11-15. Review status: criteria provided, single submitter. Criteria: GeneDx Variant Classification Process June 2021. Collection method: clinical testing. Allele origin: germline. Affected: yes.
Comment: Affects a cysteine residue within a TGF-binding protein domain (aka TB domain or 8-Cysteine domain) and is expected to disrupt disulfide bonding within this domain; other missense substitutions that affect cysteine residues within TGF-binding protein domains have been reported in association with FBN1-related disorders (PMIDs: 8281141, 21175431, 7622614; HGMD); Not observed at significant frequency in large population cohorts (gnomAD); In silico analysis supports that this missense variant has a deleterious effect on protein structure/function; Has not been previously published as pathogenic or benign to our knowledge; This variant is associated with the following publications: (PMID: 8281141, 21175431, 7622614)

NM_000138.5(FBN1):c.2885A>G (p.Tyr962Cys)

Gene: FBN1 (fibrillin 1; minus strand). Cytogenetic location: 15q21.1.
Variant type: single nucleotide variant.
Coding change: c.2885A>G on transcript NM_000138.5 (MANE Select); coding-DNA position 2885, A replaced by G.
Protein change: p.Tyr962Cys; replaces tyrosine 962 with cysteine.
Molecular consequence: missense variant.
Genome position (GRCh38, 1-based): chr15:48,490,048, T>C on the plus strand (A>G on the coding strand, the complement: FBN1 is on the minus strand). VCF-style: chr15-48490048-T-C. GRCh37 (hg19) VCF-style: chr15-48782245-T-C.
Other names: c.2885A>G, p.Tyr962Cys (NM_001406716.1); short protein forms Y962C.
Identifiers: ClinVar variation 3900377 (VCV003900377.1).